The following is an entry in ClinVar:

ClinVar aggregate classification (germline): Uncertain significance (1 of 4 stars; one submission).

Conditions:
Hereditary insensitivity to pain with anhidrosis (CIPA). Also called: INSENSITIVITY TO PAIN, CONGENITAL, WITH ANHIDROSIS; NTRK1 Congenital Insensitivity to Pain with Anhidrosis; NEUROPATHY, CONGENITAL SENSORY, WITH ANHIDROSIS; FAMILIAL DYSAUTONOMIA, TYPE II; HSAN Type IV; hereditary sensory and autonomic neuropathy type 4. Identifiers: Orphanet 642, MedGen C0020074, MONDO:0009746, OMIM 256800.

Submission:

Labcorp Genetics (formerly Invitae), Labcorp
Classification: Uncertain significance for Hereditary insensitivity to pain with anhidrosis. Last evaluated: 2022-02-01. Review status: criteria provided, single submitter. Criteria: Invitae Variant Classification Sherloc (09022015). Collection method: clinical testing. Allele origin: germline.
Comment: In summary, the available evidence is currently insufficient to determine the role of this variant in disease. Therefore, it has been classified as a Variant of Uncertain Significance. Variants that disrupt the consensus splice site are a relatively common cause of aberrant splicing (PMID: 17576681, 9536098). Algorithms developed to predict the effect of sequence changes on RNA splicing suggest that this variant may disrupt the consensus splice site. This variant has been observed in individual(s) with clinical features of congenital insensitivity to pain (Invitae). This variant is not present in population databases (gnomAD no frequency). This sequence change falls in intron 1 of the NTRK1 gene. It does not directly change the encoded amino acid sequence of the NTRK1 protein. It affects a nucleotide within the consensus splice site.

Literature cited by the submitters: PubMed 17576681; PubMed 9536098.

NM_002529.4(NTRK1):c.212+5G>C

Gene: NTRK1 (neurotrophic receptor tyrosine kinase 1; plus strand). Cytogenetic location: 1q23.1.
Variant type: single nucleotide variant.
Coding change: c.212+5G>C on transcript NM_002529.4 (MANE Select); 5 bases into the intron after coding-DNA position 212, G replaced by C.
Molecular consequence: intron variant.
Genome position (GRCh38, 1-based): chr1:156,861,151, G>C. VCF-style: chr1-156861151-G-C. GRCh37 (hg19) VCF-style: chr1-156830943-G-C.
Other names: c.123-3203G>C (NM_001007792.1); c.212+5G>C (NM_001012331.2).
Identifiers: ClinVar variation 2091618 (VCV002091618.4), dbSNP rs1655629889, ClinGen allele CA2580061203.